The following is an entry in ClinVar:

ClinVar aggregate classification (germline): Pathogenic. Review status: reviewed by expert panel (3 of 4 stars). 4 submissions from 4 submitters: Pathogenic (1). 3 of the submissions do not count toward it. Last evaluated 2016-10-18.

Conditions:
Inherited ovarian cancer (without breast cancer).
Hereditary breast ovarian cancer syndrome. Also called: Hereditary breast and ovarian cancer syndrome (HBOC); Breast and ovarian cancer; Hereditary breast and ovarian cancer syndrome; Hereditary breast and ovarian cancer; BRCA1- and BRCA2-Associated Hereditary Breast and Ovarian Cancer; Hereditary breast and/or ovarian cancer syndrome. Identifiers: Orphanet 145, MedGen C0677776, MeSH D061325, MONDO:0003582. Disease mechanism: loss of function.
Breast-ovarian cancer, familial, susceptibility to, 1 (BROVCA1). Also called: BRCA1 Hereditary Breast and Ovarian Cancer; OVARIAN CANCER, SUSCEPTIBILITY TO. Identifiers: Orphanet 145, MedGen C2676676, MONDO:0011450, OMIM 604370. Disease mechanism: loss of function.

Submissions (4):

Evidence-based Network for the Interpretation of Germline Mutant Alleles (ENIGMA)
Classification: Pathogenic for Breast-ovarian cancer, familial, susceptibility to, 1. Last evaluated: 2016-10-18. Review status: reviewed by expert panel. Criteria: ENIGMA BRCA1/2 Classification Criteria (2015). Collection method: curation. Allele origin: germline.
Comment: Variant allele predicted to encode a truncated non-functional protein.

Genetics Laboratory, Great Ormond Street Hospital NHS Foundation Trust, North Thames Genomic Laboratory Hub
Classification: Pathogenic for Inherited ovarian cancer (without breast cancer). Last evaluated: 2026-05-06. Review status: criteria provided, single submitter. Criteria: CanVIG BRCA Gene Specific V1.22. Collection method: clinical testing. Allele origin: germline. Affected: yes. Not counted in ClinVar's aggregate classification.
Comment: PM2_moderate, PVS1_very-strong, PM5_strong

Labcorp Genetics (formerly Invitae), Labcorp
Classification: Pathogenic for Hereditary breast ovarian cancer syndrome. Last evaluated: 2019-03-27. Review status: criteria provided, single submitter. Criteria: Invitae Variant Classification Sherloc (09022015). Collection method: clinical testing. Allele origin: germline. Not counted in ClinVar's aggregate classification.
Comment: This sequence change creates a premature translational stop signal (p.Lys583Asnfs*3) in the BRCA1 gene. It is expected to result in an absent or disrupted protein product. This variant is not present in population databases (ExAC no frequency). This variant has been reported in individuals in the Leiden Open-source Variation Database (PMID: 21520333). ClinVar contains an entry for this variant (Variation ID: 266184). Loss-of-function variants in BRCA1 are known to be pathogenic (PMID: 20104584). For these reasons, this variant has been classified as Pathogenic.

Molecular Endocrinology Laboratory, Christian Medical College
Classification: Pathogenic for Breast-ovarian cancer, familial, susceptibility to, 1. Review status: criteria provided, single submitter. Criteria: ACMG Guidelines, 2015. Collection method: clinical testing. Allele origin: germline. Affected: yes. Not counted in ClinVar's aggregate classification.

Literature cited by the submitters: PubMed 21520333 (cited by Labcorp Genetics (formerly Invitae), Labcorp); PubMed 20104584 (cited by Labcorp Genetics (formerly Invitae), Labcorp and Molecular Endocrinology Laboratory, Christian Medical College).

NM_007294.4(BRCA1):c.1749_1755del (p.Lys583fs)

Gene: BRCA1 (BRCA1 DNA repair associated; minus strand). Cytogenetic location: 17q21.31.
Variant type: Deletion.
Coding change: c.1749_1755del on transcript NM_007294.4 (MANE Select); coding-DNA positions 1749 to 1755, 7 bases deleted (AGCTGAA; older notation c.1749_1755delAGCTGAA).
Protein change: p.Lys583fs; shifts the reading frame from lysine 583.
Molecular consequence: frameshift variant. On other transcripts: intron variant (137).
Genome position (GRCh38, 1-based): chr17:43,093,776-43,093,782, TTCAGCT deleted on the plus strand (AGCTGAA on the coding strand, the reverse complement: BRCA1 is on the minus strand); deleting any 7 consecutive bases within chr17:43,093,776-43,093,785 gives the same sequence; the c. name uses the placement nearest the transcript's 3' end. VCF-style (leftmost placement, unchanged base first): chr17-43093775-GTTCAGCT-G. GRCh37 (hg19) VCF-style: chr17-41245792-GTTCAGCT-G.
Other names: 1868delAGCTGAA; c.1608_1614del, p.Lys536fs (NM_001407724.1, NM_001407725.1, NM_001407726.1 and 29 more transcripts); c.1605_1611del, p.Lys535fs (NM_001407740.1, NM_001407741.1, NM_001407742.1 and 20 more transcripts); c.1536_1542del, p.Lys512fs (NM_001407853.1, NM_001407894.1, NM_001407895.1 and 9 more transcripts); c.1749_1755del, p.Lys583fs (NM_001407854.1, NM_001407858.1, NM_001407859.1 and 30 more transcripts); c.1746_1752del, p.Lys582fs (NM_001407860.1, NM_001407861.1, NM_001407587.1 and 22 more transcripts); c.1548_1554del, p.Lys516fs (NM_001407862.1); c.1626_1632del, p.Lys542fs (NM_001407863.1, NM_001407919.1, NM_001407937.1 and 19 more transcripts); and 42 more; short protein forms K583fs, K536fs, K456fs, K495fs, K535fs, K542fs, K557fs, K415fs.
Identifiers: ClinVar variation 266184 (VCV000266184.14), dbSNP rs886039965, ClinGen allele CA10589922.